The following is an entry in ClinVar:

NM_000235.4(LIPA):c.429-246A>G

Gene: LIPA (lipase A, lysosomal acid type; minus strand). Cytogenetic location: 10q23.31.
Variant type: single nucleotide variant.
Coding change: c.429-246A>G on transcript NM_000235.4 (MANE Select); 246 bases into the intron before coding-DNA position 429, A replaced by G.
Molecular consequence: intron variant.
Genome position (GRCh38, 1-based): chr10:89,227,250, T>C on the plus strand (A>G on the coding strand, the complement: LIPA is on the minus strand). VCF-style: chr10-89227250-T-C. GRCh37 (hg19) VCF-style: chr10-90987007-T-C.
Other names: c.81-246A>G (NM_001288979.2); c.429-246A>G (NM_001127605.3).
Identifiers: ClinVar variation 684273 (VCV000684273.1), dbSNP rs2254636, ClinGen allele CA13271859.
Genomic context (GRCh38, chr10:89,227,250, plus strand): 5'-AAAAGTAACTATTGTCCTCATTTTTCACACCAGAAATTAGTTTCGCCTGTTTTTAAATAT[T>C]TCTGTAAGTAGAATTATACAATGTGTATTCTCCTGTATCTGGCTTAATCCATTTTTTGCT-3'

ClinVar aggregate classification (germline): Benign (1 of 4 stars; one submission).

Allele frequency attached by ClinVar (database versions not stated): gnomAD 0.84640; TOPMed 0.84819; 1000 Genomes Project 30x 0.87305; 1000 Genomes Project 0.87440.
gnomAD v4.1: 129,174 of 152,254 alleles (85%); highest among the groups gnomAD compares: East Asian, 98%; 55,113 homozygotes.

Submission:

GeneDx
Classification: Benign. Last evaluated: 2018-06-19. Review status: criteria provided, single submitter. Criteria: GeneDx Variant Classification (06012015). Collection method: clinical testing. Allele origin: germline. Affected: yes.
Comment: This variant is considered likely benign or benign based on one or more of the following criteria: it is a conservative change, it occurs at a poorly conserved position in the protein, it is predicted to be benign by multiple in silico algorithms, and/or has population frequency not consistent with disease.